The following is an entry in ClinVar:

ClinVar aggregate classification (germline): Uncertain significance (1 of 4 stars; one submission).

Conditions:
Cardiovascular phenotype. Identifiers: MedGen CN230736.

Submission:

Ambry Genetics
Classification: Uncertain significance for Cardiovascular phenotype. Last evaluated: 2026-09-11. Review status: criteria provided, single submitter. Criteria: Ambry Variant Classification Scheme 2023. Collection method: clinical testing. Allele origin: germline.
Comment: The p.A2475G variant (also known as c.7424C>G), located in coding exon 26 of the APOB gene, results from a C to G substitution at nucleotide position 7424. The alanine at codon 2475 is replaced by glycine, an amino acid with similar properties. This amino acid position is conserved. In addition, this alteration is predicted to be tolerated by in silico analysis. Based on the available evidence, the clinical significance of this variant remains unclear.

NM_000384.3(APOB):c.7424C>G (p.Ala2475Gly)

Gene: APOB (apolipoprotein B; minus strand). Cytogenetic location: 2p24.1.
Variant type: single nucleotide variant.
Coding change: c.7424C>G on transcript NM_000384.3 (MANE Select); coding-DNA position 7424, C replaced by G.
Protein change: p.Ala2475Gly; replaces alanine 2475 with glycine.
Molecular consequence: missense variant.
Genome position (GRCh38, 1-based): chr2:21,009,444, G>C on the plus strand (C>G on the coding strand, the complement: APOB is on the minus strand). VCF-style: chr2-21009444-G-C. GRCh37 (hg19) VCF-style: chr2-21232316-G-C.
Other names: short protein forms A2475G.
Identifiers: ClinVar variation 2480228 (VCV002480228.3), dbSNP rs2465368922, ClinGen allele CA345997186.